The following is an entry in ClinVar:

NM_001039591.3(USP9X):c.6181_6184del (p.Lys2060_Lys2061insTer)

Gene: USP9X (ubiquitin specific peptidase 9 X-linked; plus strand). Cytogenetic location: Xp11.4.
Variant type: Microsatellite.
Coding change: c.6181_6184del on transcript NM_001039591.3 (MANE Select); coding-DNA positions 6181 to 6184, 4 bases deleted (AAAG; older notation c.6181_6184delAAAG).
Protein change: p.Lys2060_Lys2061insTer.
Molecular consequence: nonsense.
Genome position (GRCh38, 1-based): chrX:41,217,315-41,217,318, AAAG deleted; deleting any 4 consecutive bases within chrX:41,217,311-41,217,318 gives the same sequence; the c. name uses the placement nearest the transcript's 3' end. VCF-style (leftmost placement, unchanged base first): chrX-41217310-CAAAG-C. GRCh37 (hg19) VCF-style: chrX-41076563-CAAAG-C.
Other names: c.6181_6184del, p.Lys2060_Lys2061insTer (NM_001039590.3); c.6196_6199del, p.Lys2065_Lys2066insTer (NM_001410748.1, NM_001410749.1, NM_001437534.1).
Identifiers: ClinVar variation 4538617 (VCV004538617.1).
Genomic context (GRCh38, chrX:41,217,310, plus strand): 5'-AAATCACTATGATCAGTATTCAACTTGCTGCTAGGTTCCTCTTTACTACAGGATTTCACA[CAAAG>C]AAAGTAGTCCGTGGCTCTGCCAGTGATTGGTACATTGCTTTGGATTTTCATTCCTATTAT-3'

ClinVar aggregate classification (germline): Pathogenic (1 of 4 stars; one submission).

Submission:

GeneDx
Classification: Pathogenic. Last evaluated: 2025-06-16. Review status: criteria provided, single submitter. Criteria: GeneDx Variant Classification Process June 2021. Collection method: clinical testing. Allele origin: germline. Affected: yes.
Comment: Nonsense variant predicted to result in protein truncation or nonsense mediated decay in a gene for which loss of function is a known mechanism of disease; Not observed at significant frequency in large population cohorts (gnomAD); Has not been previously published as pathogenic or benign to our knowledge